The following is an entry in ClinVar:

NM_007194.4(CHEK2):c.1334A>G (p.Tyr445Cys)

Gene: CHEK2 (checkpoint kinase 2; minus strand). Cytogenetic location: 22q12.1.
Variant type: single nucleotide variant.
Coding change: c.1334A>G on transcript NM_007194.4 (MANE Select); coding-DNA position 1334, A replaced by G.
Protein change: p.Tyr445Cys; replaces tyrosine 445 with cysteine.
Molecular consequence: missense variant.
Genome position (GRCh38, 1-based): chr22:28,695,168, T>C on the plus strand (A>G on the coding strand, the complement: CHEK2 is on the minus strand). VCF-style: chr22-28695168-T-C. GRCh37 (hg19) VCF-style: chr22-29091156-T-C.
Other names: c.1463A>G, p.Tyr488Cys (NM_001005735.3); c.671A>G, p.Tyr224Cys (NM_001257387.3); c.1133A>G, p.Tyr378Cys (NM_001349956.3); c.1247A>G, p.Tyr416Cys (NM_145862.3); short protein forms Y416C, Y488C, Y378C, Y224C, Y445C.
Identifiers: ClinVar variation 855582 (VCV000855582.12), dbSNP rs778246892, ClinGen allele CA323005191.

ClinVar aggregate classification (germline): Uncertain significance. Review status: criteria provided, multiple submitters, no conflicts (2 of 4 stars). 2 submissions from 2 submitters: Uncertain significance (2). Last evaluated 2023-08-25.

Conditions:
Hereditary cancer-predisposing syndrome. Also called: Tumor predisposition; Hereditary neoplastic syndrome; Neoplastic Syndromes, Hereditary; Hereditary Cancer Syndrome. Identifiers: Orphanet 140162, MedGen C0027672, MeSH D009386, MONDO:0015356.
Familial cancer of breast. Also called: hereditary breast carcinoma; BREAST CANCER, FAMILIAL; Hereditary breast cancer. Identifiers: Orphanet 227535, MedGen C0346153, MONDO:0016419, OMIM 114480. Disease mechanism: loss of function.

Allele frequency attached by ClinVar (database versions not stated): gnomAD exomes below 0.00001.
gnomAD v4.1: 4 of 1,613,496 alleles (0.00025%); highest among the groups gnomAD compares: Non-Finnish European, 0.00034%; no homozygotes.

Submissions (2):

Ambry Genetics
Classification: Uncertain significance for Hereditary cancer-predisposing syndrome. Last evaluated: 2023-08-25. Review status: criteria provided, single submitter. Criteria: Ambry Variant Classification Scheme 2023. Collection method: clinical testing. Allele origin: germline.
Comment: The p.Y445C variant (also known as c.1334A>G), located in coding exon 11 of the CHEK2 gene, results from an A to G substitution at nucleotide position 1334. The tyrosine at codon 445 is replaced by cysteine, an amino acid with highly dissimilar properties. This amino acid position is conserved. In addition, the in silico prediction for this alteration is inconclusive. Since supporting evidence is limited at this time, the clinical significance of this alteration remains unclear.

Labcorp Genetics (formerly Invitae), Labcorp
Classification: Uncertain significance for Familial cancer of breast. Last evaluated: 2022-10-07. Review status: criteria provided, single submitter. Criteria: Invitae Variant Classification Sherloc (09022015). Collection method: clinical testing. Allele origin: germline.
Comment: In summary, the available evidence is currently insufficient to determine the role of this variant in disease. Therefore, it has been classified as a Variant of Uncertain Significance. This sequence change replaces tyrosine, which is neutral and polar, with cysteine, which is neutral and slightly polar, at codon 445 of the CHEK2 protein (p.Tyr445Cys). This variant is not present in population databases (gnomAD no frequency). This variant has not been reported in the literature in individuals affected with CHEK2-related conditions. ClinVar contains an entry for this variant (Variation ID: 855582). Algorithms developed to predict the effect of missense changes on protein structure and function output the following: SIFT: "Deleterious"; PolyPhen-2: "Benign"; Align-GVGD: "Class C0". The cysteine amino acid residue is found in multiple mammalian species, which suggests that this missense change does not adversely affect protein function.